The following is an entry in ClinVar:

NM_006231.4(POLE):c.4928T>C (p.Leu1643Pro)

Gene: POLE (DNA polymerase epsilon, catalytic subunit; minus strand). Cytogenetic location: 12q24.33.
Variant type: single nucleotide variant.
Coding change: c.4928T>C on transcript NM_006231.4 (MANE Select); coding-DNA position 4928, T replaced by C.
Protein change: p.Leu1643Pro; replaces leucine 1643 with proline.
Molecular consequence: missense variant.
Genome position (GRCh38, 1-based): chr12:132,642,530, A>G on the plus strand (T>C on the coding strand, the complement: POLE is on the minus strand). VCF-style: chr12-132642530-A-G. GRCh37 (hg19) VCF-style: chr12-133219116-A-G.
Other names: short protein forms L1643P.
Identifiers: ClinVar variation 1004233 (VCV001004233.9), dbSNP rs2042169974, ClinGen allele CA387377884.

ClinVar aggregate classification (germline): Uncertain significance (1 of 4 stars; one submission).

Submission:

Labcorp Genetics (formerly Invitae), Labcorp
Classification: Uncertain significance. Last evaluated: 2020-02-24. Review status: criteria provided, single submitter. Criteria: Invitae Variant Classification Sherloc (09022015). Collection method: clinical testing. Allele origin: germline.
Comment: This variant is not present in population databases (ExAC no frequency). This sequence change replaces leucine with proline at codon 1643 of the POLE protein (p.Leu1643Pro). The leucine residue is highly conserved and there is a moderate physicochemical difference between leucine and proline. Algorithms developed to predict the effect of missense changes on protein structure and function (SIFT, PolyPhen-2, Align-GVGD) all suggest that this variant is likely to be disruptive, but these predictions have not been confirmed by published functional studies and their clinical significance is uncertain. In summary, the available evidence is currently insufficient to determine the role of this variant in disease. Therefore, it has been classified as a Variant of Uncertain Significance. This variant has not been reported in the literature in individuals with POLE-related conditions.